The following is an entry in ClinVar:

ClinVar aggregate classification (germline): Likely pathogenic (1 of 4 stars; one submission).

Submission:

GeneDx
Classification: Likely pathogenic. Last evaluated: 2016-07-28. Review status: criteria provided, single submitter. Criteria: GeneDx Variant Classification (06012015). Collection method: clinical testing. Allele origin: germline. Affected: yes.
Comment: The G32A variant in the DNM1L gene has not been reported previously as a pathogenic variant, nor as a benign variant, to our knowledge. The G32A variant was not observed in approximately 6,500 individuals of European and African American ancestry in the NHLBI Exome Sequencing Project, indicating it is not a common benign variant in these populations. The G32A variant is a conservative amino acid substitution, which is not likely to impact secondary protein structure as these residues share similar properties. However, this substitution occurs at a position that is conserved across species and in silico analysis predicts this variant is probably damaging to the protein structure/function. Therefore, we interpret the G32A variant is a strong candidate for a pathogenic variant,

NM_012062.5(DNM1L):c.95G>C (p.Gly32Ala)

Genes: DNM1L (dynamin 1 like; plus strand), LOC130007663 (ATAC-STARR-seq lymphoblastoid silent region 4339; plus strand). Cytogenetic location: 12p11.21.
Variant type: single nucleotide variant.
Coding change: c.95G>C on transcript NM_012062.5 (MANE Select); coding-DNA position 95, G replaced by C.
Protein change: p.Gly32Ala; replaces glycine 32 with alanine.
Molecular consequence: missense variant. On other transcripts: 5 prime UTR variant (1).
Genome position (GRCh38, 1-based): chr12:32,679,458, G>C. VCF-style: chr12-32679458-G-C. GRCh37 (hg19) VCF-style: chr12-32832392-G-C.
Other names: c.95G>C, p.Gly32Ala (NM_001278463.2, NM_001278464.2, NM_001278465.2 and 3 more transcripts); c.-111G>C (NM_001278466.2); short protein forms G32A.
Identifiers: ClinVar variation 388124 (VCV000388124.2), dbSNP rs1057523007, ClinGen allele CA16606518.